The following is an entry in ClinVar:

NM_206933.4(USH2A):c.11289C>A (p.Tyr3763Ter)

Gene: USH2A (usherin; minus strand). Cytogenetic location: 1q41.
Variant type: single nucleotide variant.
Coding change: c.11289C>A on transcript NM_206933.4 (MANE Select); coding-DNA position 11289, C replaced by A.
Protein change: p.Tyr3763Ter; replaces tyrosine 3763 with a stop codon.
Molecular consequence: nonsense.
Genome position (GRCh38, 1-based): chr1:215,758,695, G>T on the plus strand (C>A on the coding strand, the complement: USH2A is on the minus strand). VCF-style: chr1-215758695-G-T. GRCh37 (hg19) VCF-style: chr1-215932037-G-T.
Other names: short protein forms Y3763*.
Identifiers: ClinVar variation 2824424 (VCV002824424.3), dbSNP rs2465089218, ClinGen allele CA344820861.

ClinVar aggregate classification (germline): Pathogenic (1 of 4 stars; one submission).

Submission:

Labcorp Genetics (formerly Invitae), Labcorp
Classification: Pathogenic. Last evaluated: 2025-05-06. Review status: criteria provided, single submitter. Criteria: Invitae Variant Classification Sherloc (09022015). Collection method: clinical testing. Allele origin: germline.
Comment: This sequence change creates a premature translational stop signal (p.Tyr3763*) in the USH2A gene. It is expected to result in an absent or disrupted protein product. Loss-of-function variants in USH2A are known to be pathogenic (PMID: 10729113, 10909849, 20507924, 25649381). This variant is not present in population databases (gnomAD no frequency). This variant has not been reported in the literature in individuals affected with USH2A-related conditions. ClinVar contains an entry for this variant (Variation ID: 2824424). Algorithms developed to predict the effect of sequence changes on RNA splicing suggest that this variant may disrupt the consensus splice site. For these reasons, this variant has been classified as Pathogenic.

Literature cited by the submitters: PubMed 10729113; PubMed 10909849; PubMed 20507924; PubMed 25649381.